The following is an entry in ClinVar:

NM_001040616.3(LINS1):c.2173C>T (p.Arg725Cys)

Gene: LINS1 (lines homolog 1; minus strand). Cytogenetic location: 15q26.3.
Variant type: single nucleotide variant.
Coding change: c.2173C>T on transcript NM_001040616.3 (MANE Select); coding-DNA position 2173, C replaced by T.
Protein change: p.Arg725Cys; replaces arginine 725 with cysteine.
Molecular consequence: missense variant. On other transcripts: non-coding transcript variant (3).
Genome position (GRCh38, 1-based): chr15:100,569,339, G>A on the plus strand (C>T on the coding strand, the complement: LINS1 is on the minus strand). VCF-style: chr15-100569339-G-A. GRCh37 (hg19) VCF-style: chr15-101109544-G-A.
Other names: c.1426C>T, p.Arg476Cys (NM_001352507.2); c.2020C>T, p.Arg674Cys (NM_001352508.2); short protein forms R476C, R674C, R725C.
Identifiers: ClinVar variation 1799900 (VCV001799900.2), dbSNP rs371728866, ClinGen allele CA7759251.
Genomic context (GRCh38, chr15:100,569,339, plus strand): 5'-ATTTTAACAACTTCAAAAGTGCAGTTGGATTATATGGGAAAAGATTTTTCTTTTGCAAAC[G>A]GCAGATGGCATCTTGTAGTTCCTGGAAGCATTTTACTATTCTGTAAAATATTCCCACTTC-3'
Protein context (NP_001035706.2, residues 715-735): CFQELQDAIC[Arg725Cys]LQKKNLFPYN

ClinVar aggregate classification (germline): Uncertain significance (1 of 4 stars; one submission).

Conditions:
Inborn genetic diseases. Identifiers: MedGen C0950123, MeSH D030342.

Allele frequency attached by ClinVar (database versions not stated): ExAC 0.00001; gnomAD exomes 0.00001; TOPMed 0.00001; gnomAD 0.00002; ESP Exome Variant Server 0.00008.
gnomAD v4.1: 12 of 1,613,914 alleles (0.00074%); highest among the groups gnomAD compares: East Asian, 0.0045%; no homozygotes.

Submission:

Ambry Genetics
Classification: Uncertain significance for Inborn genetic diseases. Last evaluated: 2018-07-17. Review status: criteria provided, single submitter. Criteria: Ambry Variant Classification Scheme 2023. Collection method: clinical testing. Allele origin: germline.
Comment: The p.R725C variant (also known as c.2173C>T), located in coding exon 6 of the LINS gene, results from a C to T substitution at nucleotide position 2173. The arginine at codon 725 is replaced by cysteine, an amino acid with highly dissimilar properties. This amino acid position is highly conserved in available vertebrate species. In addition, the in silico prediction for this alteration is inconclusive. Since supporting evidence is limited at this time, the clinical significance of this alteration remains unclear.